The following is an entry in ClinVar:

ClinVar aggregate classification (germline): Pathogenic/Likely pathogenic. Review status: criteria provided, multiple submitters, no conflicts (2 of 4 stars). 3 submissions from 3 submitters: Pathogenic (2); Likely pathogenic (1). Last evaluated 2026-03-05.

Conditions:
Alport syndrome. Also called: Hemorrhagic familial nephritis; Hemorrhagic hereditary nephritis; Congenital hereditary hematuria. Identifiers: Orphanet 63, MedGen C1567741, MONDO:0018965.

Submissions (3):

Myriad Genetics, Inc.
Classification: Pathogenic for Alport syndrome. Last evaluated: 2026-03-05. Review status: criteria provided, single submitter. Criteria: Myriad Autosomal Dominant, Autosomal Recessive and X-Linked Classification Criteria (2023). Collection method: clinical testing. Allele origin: unknown.
Comment: NM_000092.4(COL4A4):c.185_186dupGG(S63Gfs*32) is expected to be pathogenic in the context of Alport syndrome, COL4A4-related. This variant is predicted to lead to an abnormal or absent protein product due to the creation of a premature termination codon in COL4A4, a gene where loss-of-function variants are known to be pathogenic. Please note: this variant was assessed in the context of healthy population screening.

Natera, Inc.
Classification: Likely pathogenic for Alport syndrome. Last evaluated: 2025-08-14. Review status: criteria provided, single submitter. Criteria: Natera Variant Classification Schema (03/2026). Collection method: clinical testing. Allele origin: germline.
Comment: The c.185_186dup variant in COL4A4 is a frameshift variant predicted to shift the reading frame beginning at codon 63 and leads to a stop codon 32 codons downstream. This variant is expected to result in nonsense mediated decay, truncation, or a dysfunctional protein product. This variant is rare in the general population with a frequency below the threshold expected for the associated phenotype(s). Given the available evidence, this variant is classified as Likely Pathogenic.

Labcorp Genetics (formerly Invitae), Labcorp
Classification: Pathogenic. Last evaluated: 2021-10-26. Review status: criteria provided, single submitter. Criteria: Invitae Variant Classification Sherloc (09022015). Collection method: clinical testing. Allele origin: germline.
Comment: For these reasons, this variant has been classified as Pathogenic. This variant has not been reported in the literature in individuals affected with COL4A4-related conditions. This variant is not present in population databases (ExAC no frequency). This sequence change creates a premature translational stop signal (p.Ser63Glyfs*32) in the COL4A4 gene. It is expected to result in an absent or disrupted protein product. Loss-of-function variants in COL4A4 are known to be pathogenic (PMID: 21196518, 24854265, 25307543).

Literature cited by the submitters: PubMed 21196518 (cited by Labcorp Genetics (formerly Invitae), Labcorp); PubMed 24854265 (cited by Labcorp Genetics (formerly Invitae), Labcorp); PubMed 25307543 (cited by Labcorp Genetics (formerly Invitae), Labcorp).

NM_000092.5(COL4A4):c.185_186dup (p.Ser63fs)

Gene: COL4A4 (collagen type IV alpha 4 chain; minus strand). Cytogenetic location: 2q36.3.
Variant type: Duplication.
Coding change: c.185_186dup on transcript NM_000092.5 (MANE Select); coding-DNA positions 185 to 186, 2 bases duplicated (GG; older notation c.185_186dupGG).
Protein change: p.Ser63fs; shifts the reading frame from serine 63.
Molecular consequence: frameshift variant.
Genome position (GRCh38, 1-based): chr2:227,140,167-227,140,168, CC duplicated on the plus strand (GG on the coding strand, the reverse complement: COL4A4 is on the minus strand); duplicating any 2 consecutive bases within chr2:227,140,167-227,140,170 gives the same sequence; the c. name uses the placement nearest the transcript's 3' end. VCF-style (leftmost placement, unchanged base first): chr2-227140166-A-ACC. GRCh37 (hg19) VCF-style: chr2-228004882-A-ACC.
Other names: c.185_186dup (NM_000092.4); short protein forms S63fs.
Identifiers: ClinVar variation 1425635 (VCV001425635.8), dbSNP rs2125291573, ClinGen allele CA2573135510.